The following is an entry in ClinVar:

ClinVar aggregate classification (germline): Uncertain significance. Review status: criteria provided, multiple submitters, no conflicts (2 of 4 stars). 7 submissions from 7 submitters: Uncertain significance (6). 1 of the submissions does not count toward it. Last evaluated 2025-07-31.

Conditions:
Fanconi anemia (FA). Also called: Fanconi's anemia. Identifiers: Orphanet 84, MedGen C0015625, MeSH D005199, MONDO:0019391.
FANCM-related disorder. Also called: FANCM-related condition.
Spermatogenic failure 28. Identifiers: MedGen C4748117, MONDO:0054732, OMIM 618086.
Premature ovarian failure 15. Identifiers: MedGen C4748170, MONDO:0054862, OMIM 618096.

Allele frequency attached by ClinVar (database versions not stated): TOPMed 0.00025; gnomAD 0.00028 and 0.00029; gnomAD exomes 0.00029 and 0.00044; ESP Exome Variant Server 0.00031; ExAC 0.00038.
gnomAD v4.1: 680 of 1,612,106 alleles (0.042%); highest among the groups gnomAD compares: Non-Finnish European, 0.054%; 1 homozygote.

Submissions (7):

GeneDx
Classification: Uncertain significance. Last evaluated: 2025-07-31. Review status: criteria provided, single submitter. Criteria: GeneDx Variant Classification Process June 2021. Collection method: clinical testing. Allele origin: germline. Affected: yes.
Comment: In silico analysis supports that this missense variant has a deleterious effect on protein structure/function; Observed in individuals with a personal or family history of breast, sarcoma, ovarian, prostate, or colorectal cancer, but also in unaffected controls (PMID: 26094658, 27498913, 27713038, 28881617, 32268276, 33471991, 35929646, 36707629); This variant is associated with the following publications: (PMID: 26094658, 27713038, 28881617, 27498913, 32268276, Chan2021[article], 37803816, 33471991, 36707629, 35929646)

Quest Diagnostics Nichols Institute San Juan Capistrano
Classification: Uncertain significance. Last evaluated: 2025-06-10. Review status: criteria provided, single submitter. Criteria: Quest Diagnostics criteria. Collection method: clinical testing. Allele origin: unknown.
Comment: The FANCM c.1597C>T (p.Arg533Cys) variant has been reported in the published literature in individuals with breast cancer (PMIDs: 36707629 (2023), 26094658 (2015), 33471991 (2021), see also LOVD (FANCM)) and ovarian cancer (PMIDs: 28881617 (2017) and 27713038 (2017)). This variant has also been identified in reportedly unaffected individuals (PMIDs: 36707629 (2023), 33471991 (2021) and see also LOVD (FANCM)). The frequency of this variant in the general population (Genome Aggregation Database) is higher than would generally be expected for pathogenic variants in this gene. Analysis of this variant using bioinformatics tools for the prediction of the effect of amino acid changes on protein structure and function yielded predictions that this variant is damaging. Based on the available information, we are unable to determine the clinical significance of this variant.

Labcorp Genetics (formerly Invitae), Labcorp
Classification: Uncertain significance for Fanconi anemia. Last evaluated: 2024-12-17. Review status: criteria provided, single submitter. Criteria: Invitae Variant Classification Sherloc (09022015). Collection method: clinical testing. Allele origin: germline.
Comment: This sequence change replaces arginine, which is basic and polar, with cysteine, which is neutral and slightly polar, at codon 533 of the FANCM protein (p.Arg533Cys). This variant is present in population databases (rs146151355, gnomAD 0.06%). This missense change has been observed in individual(s) with breast cancer or FANCM-related conditions (PMID: 26094658, 35929646). ClinVar contains an entry for this variant (Variation ID: 663092). An algorithm developed to predict the effect of missense changes on protein structure and function (PolyPhen-2) suggests that this variant is likely to be disruptive. In summary, the available evidence is currently insufficient to determine the role of this variant in disease. Therefore, it has been classified as a Variant of Uncertain Significance.

Blueprint Genetics
Classification: Uncertain significance. Last evaluated: 2024-10-31. Review status: criteria provided, single submitter. Criteria: ACMG Guidelines, 2015. Collection method: clinical testing. Allele origin: germline.

Fulgent Genetics
Classification: Uncertain significance for Spermatogenic failure 28; Premature ovarian failure 15. Last evaluated: 2024-05-13. Review status: criteria provided, single submitter. Criteria: ACMG Guidelines, 2015. Collection method: clinical testing. Allele origin: germline.

Genetic Services Laboratory, University of Chicago
Classification: Uncertain significance. Last evaluated: 2021-10-15. Review status: criteria provided, single submitter. Criteria: ACMG Guidelines, 2015. Collection method: clinical testing. Allele origin: germline. Affected: no.
Comment: DNA sequence analysis of the FANCM gene demonstrated a sequence change, c.1597C>T, in exon 10 that results in an amino acid change, p.Arg533Cys. This sequence change has been described in the gnomAD database with a frequency of 0.056% in the non-Finnish European subpopulation (dbSNP rs146151355). The p.Arg533Cys change affects a highly conserved amino acid residue located in a domain of the FANCM protein that is known to be functional. The p.Arg533Cys substitution appears to be deleterious using several in-silico pathogenicity prediction tools (SIFT, PolyPhen2, Align GVGD, REVEL). This sequence change has been previously described in an individual with breast cancer (PMID: 26094658). Due to insufficient evidences and the lack of functional studies, the clinical significance of the p.Arg533Cys change remains unknown at this time.

PreventionGenetics, part of Exact Sciences
Classification: Uncertain significance for FANCM-related condition. Last evaluated: 2023-10-26. Review status: no assertion criteria provided. Collection method: clinical testing. Allele origin: germline. Not counted in ClinVar's aggregate classification.
Comment: The FANCM c.1597C>T variant is predicted to result in the amino acid substitution p.Arg533Cys. This variant was reported in an individual with breast cancer (Table S1, Aloraifi et al. 2015. PubMed ID: 26094658). This variant is reported in 0.056% of alleles in individuals of European (Non-Finnish) descent in gnomAD and is interpreted as uncertain significance in ClinVar. At this time, the clinical significance of this variant is uncertain due to the absence of conclusive functional and genetic evidence.

Literature cited by the submitters: PubMed 36707629 (cited by Quest Diagnostics Nichols Institute San Juan Capistrano); PubMed 33471991 (cited by Quest Diagnostics Nichols Institute San Juan Capistrano); PubMed 35929646 (cited by Quest Diagnostics Nichols Institute San Juan Capistrano and Labcorp Genetics (formerly Invitae), Labcorp); PubMed 28881617 (cited by Quest Diagnostics Nichols Institute San Juan Capistrano); PubMed 32268276 (cited by Quest Diagnostics Nichols Institute San Juan Capistrano); PubMed 27713038 (cited by Quest Diagnostics Nichols Institute San Juan Capistrano); PubMed 26094658 (cited by Quest Diagnostics Nichols Institute San Juan Capistrano and Labcorp Genetics (formerly Invitae), Labcorp); PubMed 39461343 (cited by Quest Diagnostics Nichols Institute San Juan Capistrano).

NM_020937.4(FANCM):c.1597C>T (p.Arg533Cys)

Gene: FANCM (FA complementation group M; plus strand). Cytogenetic location: 14q21.2.
Variant type: single nucleotide variant.
Coding change: c.1597C>T on transcript NM_020937.4 (MANE Select); coding-DNA position 1597, C replaced by T.
Protein change: p.Arg533Cys; replaces arginine 533 with cysteine.
Molecular consequence: missense variant.
Genome position (GRCh38, 1-based): chr14:45,164,374, C>T. VCF-style: chr14-45164374-C-T. GRCh37 (hg19) VCF-style: chr14-45633577-C-T.
Other names: c.1519C>T, p.Arg507Cys (NM_001308133.2); c.1597C>T, p.Arg533Cys (NM_001308134.2); short protein forms R507C, R533C.
Identifiers: ClinVar variation 663092 (VCV000663092.29), dbSNP rs146151355, ClinGen allele CA7169111.